The following is an entry in ClinVar:

ClinVar aggregate classification (germline): Uncertain significance (1 of 4 stars; one submission).

Submission:

Labcorp Genetics (formerly Invitae), Labcorp
Classification: Uncertain significance. Last evaluated: 2022-06-29. Review status: criteria provided, single submitter. Criteria: Invitae Variant Classification Sherloc (09022015). Collection method: clinical testing. Allele origin: germline.
Comment: This sequence change replaces valine, which is neutral and non-polar, with alanine, which is neutral and non-polar, at codon 2480 of the EYS protein (p.Val2480Ala). This variant is not present in population databases (gnomAD no frequency). This variant has not been reported in the literature in individuals affected with EYS-related conditions. Algorithms developed to predict the effect of missense changes on protein structure and function (SIFT, PolyPhen-2, Align-GVGD) all suggest that this variant is likely to be disruptive. In summary, the available evidence is currently insufficient to determine the role of this variant in disease. Therefore, it has been classified as a Variant of Uncertain Significance.

NM_001142800.2(EYS):c.7439T>C (p.Val2480Ala)

Gene: EYS (eyes shut homolog; minus strand). Cytogenetic location: 6q12.
Variant type: single nucleotide variant.
Coding change: c.7439T>C on transcript NM_001142800.2 (MANE Select); coding-DNA position 7439, T replaced by C.
Protein change: p.Val2480Ala; replaces valine 2480 with alanine.
Molecular consequence: missense variant.
Genome position (GRCh38, 1-based): chr6:63,789,197, A>G on the plus strand (T>C on the coding strand, the complement: EYS is on the minus strand). VCF-style: chr6-63789197-A-G. GRCh37 (hg19) VCF-style: chr6-64499090-A-G.
Other names: c.7439T>C, p.Val2480Ala (NM_001292009.2); short protein forms V2480A.
Identifiers: ClinVar variation 1964548 (VCV001964548.2), dbSNP rs2533542233, ClinGen allele CA364386037.
Genomic context (GRCh38, chr6:63,789,197, plus strand): 5'-ATGCTTGCTATGCCAGACCCCAGGTTATAACTATAAACCACACTGCCATTGAGCAGGCCC[A>G]CAGCCAGGAAGTCATCGCCATTCAACCCTGGAATGAGAAGACACATGGGGAATGCTCACT-3'
Protein context (NP_001136272.1, residues 2470-2490): HGLNGDDFLA[Val2480Ala]GLLNGSVVYS